The following is an entry in ClinVar:

NM_001037.5(SCN1B):c.167A>G (p.Glu56Gly)

Gene: SCN1B (sodium voltage-gated channel beta subunit 1; plus strand). Cytogenetic location: 19q13.11.
Variant type: single nucleotide variant.
Coding change: c.167A>G on transcript NM_001037.5 (MANE Select); coding-DNA position 167, A replaced by G.
Protein change: p.Glu56Gly; replaces glutamic acid 56 with glycine.
Molecular consequence: missense variant.
Genome position (GRCh38, 1-based): chr19:35,032,654, A>G. VCF-style: chr19-35032654-A-G. GRCh37 (hg19) VCF-style: chr19-35523558-A-G.
Other names: c.68A>G, p.Glu23Gly (NM_001321605.2); c.167A>G, p.Glu56Gly (NM_199037.5); short protein forms E23G, E56G.
Identifiers: ClinVar variation 2840785 (VCV002840785.3), dbSNP rs1214500215, ClinGen allele CA405328244.

ClinVar aggregate classification (germline): Uncertain significance (1 of 4 stars; one submission).

Conditions:
Brugada syndrome 5 (BRGDA5). Identifiers: Orphanet 130, Orphanet 871, MedGen C2748541, MONDO:0013015, OMIM 612838.

Submission:

Labcorp Genetics (formerly Invitae), Labcorp
Classification: Uncertain significance for Brugada syndrome 5. Last evaluated: 2024-03-01. Review status: criteria provided, single submitter. Criteria: Invitae Variant Classification Sherloc (09022015). Collection method: clinical testing. Allele origin: germline.
Comment: This sequence change replaces glutamic acid, which is acidic and polar, with glycine, which is neutral and non-polar, at codon 56 of the SCN1B protein (p.Glu56Gly). This variant is not present in population databases (gnomAD no frequency). This variant has not been reported in the literature in individuals affected with SCN1B-related conditions. An algorithm developed to predict the effect of missense changes on protein structure and function (PolyPhen-2) suggests that this variant is likely to be disruptive. In summary, the available evidence is currently insufficient to determine the role of this variant in disease. Therefore, it has been classified as a Variant of Uncertain Significance.